The following is an entry in ClinVar:

NM_000539.3(RHO):c.337G>A (p.Glu113Lys)

Gene: RHO (rhodopsin; plus strand). Cytogenetic location: 3q22.1.
Variant type: single nucleotide variant.
Coding change: c.337G>A on transcript NM_000539.3 (MANE Select); coding-DNA position 337, G replaced by A.
Protein change: p.Glu113Lys; replaces glutamic acid 113 with lysine.
Molecular consequence: missense variant.
Genome position (GRCh38, 1-based): chr3:129,529,070, G>A. VCF-style: chr3-129529070-G-A. GRCh37 (hg19) VCF-style: chr3-129247913-G-A.
Other names: short protein forms E113K.
Identifiers: ClinVar variation 1451122 (VCV001451122.9), dbSNP rs2108749341, ClinGen allele CA354496945.

ClinVar aggregate classification (germline): Pathogenic. Review status: criteria provided, multiple submitters, no conflicts (2 of 4 stars). 2 submissions from 2 submitters: Pathogenic (2). Last evaluated 2021-06-06.

Conditions:
Retinal dystrophy. Also called: Inherited retinal dystrophy. Identifiers: Orphanet 71862, MedGen C0854723, MeSH D058499, MONDO:0019118, HP:0000556.

Submissions (2):

Labcorp Genetics (formerly Invitae), Labcorp
Classification: Pathogenic. Last evaluated: 2021-06-06. Review status: criteria provided, single submitter. Criteria: Invitae Variant Classification Sherloc (09022015). Collection method: clinical testing. Allele origin: germline.
Comment: For these reasons, this variant has been classified as Pathogenic. Advanced modeling of protein sequence and biophysical properties (such as structural, functional, and spatial information, amino acid conservation, physicochemical variation, residue mobility, and thermodynamic stability) performed at Invitae indicates that this missense variant is not expected to disrupt RHO protein function. This variant has been observed in individual(s) with autosomal dominant retinitis pigmentosa and congenital stationary night blindness (PMID: 27812022, Invitae). It has also been observed to segregate with disease in related individuals. This variant is not present in population databases (ExAC no frequency). This sequence change replaces glutamic acid with lysine at codon 113 of the RHO protein (p.Glu113Lys). The glutamic acid residue is highly conserved and there is a small physicochemical difference between glutamic acid and lysine.

Institute of Human Genetics, Univ. Regensburg, Univ. Regensburg
Classification: Pathogenic for Retinal dystrophy. Last evaluated: 2018-01-01. Review status: criteria provided, single submitter. Criteria: ACMG Guidelines, 2015. Collection method: clinical testing. Allele origin: germline. Affected: yes.

Literature cited by the submitters: PubMed 27812022 (cited by Labcorp Genetics (formerly Invitae), Labcorp and Institute of Human Genetics, Univ. Regensburg, Univ. Regensburg).